The following is an entry in ClinVar:

ClinVar aggregate classification (germline): Likely benign. Review status: criteria provided, multiple submitters, no conflicts (2 of 4 stars). 2 submissions from 2 submitters: Likely benign (2). Last evaluated 2025-03-01.

Conditions:
SCAF4-related disorder. Also called: SCAF4-related condition.

Submissions (2):

CeGaT Center for Human Genetics Tuebingen
Classification: Likely benign. Last evaluated: 2025-03-01. Review status: criteria provided, single submitter. Criteria: CeGaT Center For Human Genetics Tuebingen Variant Classification Criteria Version 2. Collection method: clinical testing. Allele origin: germline. Affected: yes. Observed: 1 variant allele.
Comment: SCAF4: BS1

PreventionGenetics, part of Exact Sciences
Classification: Likely benign for SCAF4-related condition. Last evaluated: 2025-01-24. Review status: criteria provided, single submitter. Criteria: ACMG Guidelines, 2015. Collection method: clinical testing. Allele origin: germline.
Comment: This variant is classified as likely benign based on ACMG/AMP sequence variant interpretation guidelines (Richards et al. 2015 PMID: 25741868, with internal and published modifications).

NM_020706.2(SCAF4):c.2879AGC[9] (p.Gln966_Pro967insGlnGln)

Gene: SCAF4 (SR-related CTD associated factor 4; minus strand). Cytogenetic location: 21q22.11.
Variant type: Microsatellite.
Coding change: c.2879AGC[9] on transcript NM_020706.2 (MANE Select); nine copies in a row of the 3-base unit AGC starting at c.2879; the reference has seven copies in a row; two copies, 6 bases duplicated.
Protein change: p.Gln966_Pro967insGlnGln.
Genome position (GRCh38, 1-based): chr21:31,671,944-31,671,949, GCTGCT duplicated on the plus strand (AGCAGC on the coding strand, the reverse complement: SCAF4 is on the minus strand); duplicating any 6 consecutive bases within chr21:31,671,944-31,671,965 gives the same sequence; the position shown is the placement nearest the transcript's 3' end. VCF-style (leftmost placement, unchanged base first): chr21-31671943-G-GGCTGCT. GRCh37 (hg19) VCF-style: chr21-33044256-G-GGCTGCT.
Other names: c.2894_2899dup6 (NM_020706.2); c.2834AGC[9], p.Gln951_Pro952insGlnGln (NM_001145444.1); c.2813AGC[9], p.Gln944_Pro945insGlnGln (NM_001145445.1).
Identifiers: ClinVar variation 3777983 (VCV003777983.8).